The following is an entry in ClinVar:

NM_001844.5(COL2A1):c.2638G>A (p.Val880Met)

Gene: COL2A1 (collagen type II alpha 1 chain; minus strand). Cytogenetic location: 12q13.11.
Variant type: single nucleotide variant.
Coding change: c.2638G>A on transcript NM_001844.5 (MANE Select); coding-DNA position 2638, G replaced by A.
Protein change: p.Val880Met; replaces valine 880 with methionine.
Molecular consequence: missense variant.
Genome position (GRCh38, 1-based): chr12:47,980,050, C>T on the plus strand (G>A on the coding strand, the complement: COL2A1 is on the minus strand). VCF-style: chr12-47980050-C-T. GRCh37 (hg19) VCF-style: chr12-48373833-C-T.
Other names: c.2431G>A, p.Val811Met (NM_033150.3); short protein forms V880M, V811M.
Identifiers: ClinVar variation 288221 (VCV000288221.18), dbSNP rs886043832, ClinGen allele CA10606007.

ClinVar aggregate classification (germline): Uncertain significance. Review status: criteria provided, multiple submitters, no conflicts (2 of 4 stars). 5 submissions from 5 submitters: Uncertain significance (4). 1 of the submissions does not count toward it. Last evaluated 2024-09-22.

Conditions:
Spondyloperipheral dysplasia. Also called: Spondyloperipheral dysplasia-short ulna syndrome; SPONDYLOPERIPHERAL DYSPLASIA WITH SHORT ULNA. Identifiers: Orphanet 1856, MedGen C0796173, MONDO:0010078, OMIM 271700.
Legg-Calve-Perthes disease. Also called: Osteochondritis deformans; Coxa plana; Avascular necrosis of the capital femoral epiphysis; PERTHES DISEASE. Identifiers: Orphanet 2380, MedGen C1442965, MONDO:0007885, OMIM 150600, HP:0005743.
Spondyloepiphyseal dysplasia with metatarsal shortening. Also called: Pseudorheumatoid dysplasia progressive, with hypoplastic toes; CZECH DYSPLASIA, METATARSAL TYPE; SPONDYLOEPIPHYSEAL DYSPLASIA WITH PRECOCIOUS OSTEOARTHRITIS. Identifiers: Orphanet 137678, MedGen C1836683, MONDO:0012206, OMIM 609162.
Avascular necrosis of femoral head, primary, 1 (ANFH1). Also called: Avascular necrosis of femoral head, primary. Identifiers: Orphanet 86820, MedGen C4551562, MONDO:0054550, OMIM 608805.
Spondyloepiphyseal dysplasia, Stanescu type. Also called: SED, STANESCU TYPE; SPONDYLOEPIMETAPHYSEAL DYSPLASIA, STANESCU TYPE. Identifiers: Orphanet 459051, MedGen C4225273, MONDO:0014701, OMIM 616583.
Kniest dysplasia. Identifiers: Orphanet 485, MedGen C0265279, MONDO:0007987, OMIM 156550.
Platyspondylic dysplasia, Torrance type (PLSDT). Identifiers: Orphanet 85166, MedGen C1835437, MONDO:0007895, OMIM 151210.
Stickler syndrome type 1 (STL1). Also called: ARTHROOPHTHALMOPATHY, HEREDITARY PROGRESSIVE; COL2A1-Related Stickler Syndrome; STICKLER SYNDROME, MEMBRANOUS VITREOUS TYPE; STICKLER SYNDROME, VITREOUS TYPE 1. Identifiers: Orphanet 828, Orphanet 90653, MedGen C2020284, MONDO:0007160, OMIM 108300.
Achondrogenesis type II (ACG2). Also called: ACHONDROGENESIS, LANGER-SALDINO TYPE; CHONDROGENESIS IMPERFECTA. Identifiers: Orphanet 932, Orphanet 93296, MedGen C0220685, MONDO:0008702, OMIM 200610.
Inborn genetic diseases. Identifiers: MedGen C0950123, MeSH D030342.
Retinal dystrophy. Also called: Inherited retinal dystrophy. Identifiers: Orphanet 71862, MedGen C0854723, MeSH D058499, MONDO:0019118, HP:0000556.

Allele frequency attached by ClinVar (database versions not stated): TOPMed below 0.00001; gnomAD 0.00001; gnomAD exomes 0.00001.
gnomAD v4.1: 16 of 1,554,698 alleles (0.001%); highest among the groups gnomAD compares: South Asian, 0.017%; no homozygotes.

Submissions (5):

Labcorp Genetics (formerly Invitae), Labcorp
Classification: Uncertain significance. Last evaluated: 2024-09-22. Review status: criteria provided, single submitter. Criteria: Invitae Variant Classification Sherloc (09022015). Collection method: clinical testing. Allele origin: germline.
Comment: This sequence change replaces valine, which is neutral and non-polar, with methionine, which is neutral and non-polar, at codon 880 of the COL2A1 protein (p.Val880Met). The frequency data for this variant in the population databases is considered unreliable, as metrics indicate poor data quality at this position in the gnomAD database. This variant has not been reported in the literature in individuals affected with COL2A1-related conditions. ClinVar contains an entry for this variant (Variation ID: 288221). Invitae Evidence Modeling of protein sequence and biophysical properties (such as structural, functional, and spatial information, amino acid conservation, physicochemical variation, residue mobility, and thermodynamic stability) indicates that this missense variant is not expected to disrupt COL2A1 protein function with a negative predictive value of 80%. In summary, the available evidence is currently insufficient to determine the role of this variant in disease. Therefore, it has been classified as a Variant of Uncertain Significance.

Blueprint Genetics
Classification: Uncertain significance. Last evaluated: 2024-07-26. Review status: criteria provided, single submitter. Criteria: ACMG Guidelines, 2015. Collection method: clinical testing. Allele origin: germline.

Ambry Genetics
Classification: Uncertain significance for Inborn genetic diseases. Last evaluated: 2023-09-23. Review status: criteria provided, single submitter. Criteria: Ambry Variant Classification Scheme 2023. Collection method: clinical testing. Allele origin: germline.

Eurofins Ntd Llc (ga)
Classification: Uncertain significance. Last evaluated: 2016-06-22. Review status: criteria provided, single submitter. Criteria: EGL Classification Definitions 2015. Collection method: clinical testing. Allele origin: germline. Observed: 1 variant allele, 1 heterozygote.

Institute of Human Genetics, Univ. Regensburg, Univ. Regensburg
Classification: Uncertain significance for Retinal dystrophy. Last evaluated: 2022-01-01. Review status: no assertion criteria provided. Criteria: ACMG Guidelines, 2015. Collection method: clinical testing. Allele origin: germline. Affected: yes. Not counted in ClinVar's aggregate classification.